The following is an entry in ClinVar:

NM_004493.3(HSD17B10):c.214C>A (p.Gln72Lys)

Gene: HSD17B10 (hydroxysteroid 17-beta dehydrogenase 10; minus strand). Cytogenetic location: Xp11.22.
Variant type: single nucleotide variant.
Coding change: c.214C>A on transcript NM_004493.3 (MANE Select); coding-DNA position 214, C replaced by A.
Protein change: p.Gln72Lys; replaces glutamine 72 with lysine.
Molecular consequence: missense variant.
Genome position (GRCh38, 1-based): chrX:53,432,390, G>T on the plus strand (C>A on the coding strand, the complement: HSD17B10 is on the minus strand). VCF-style: chrX-53432390-G-T. GRCh37 (hg19) VCF-style: chrX-53459338-G-T.
Other names: c.214C>A, p.Gln72Lys (NM_001037811.2); short protein forms Q72K.
Identifiers: ClinVar variation 3710722 (VCV003710722.3).
Genomic context (GRCh38, chrX:53,432,390, plus strand): 5'-CACAGTTGACAGCTACATCCACACGGCCAAACTTTCCTTTTGCTAGAGCCAGAGCTGTTT[G>T]CACATCCTTCTCAGAGGTCACCTTCAAAGAGAGAAGTGGAGAAGGTATTCATCTCCCAGC-3'
Protein context (NP_004484.1, residues 62-82): PADVTSEKDV[Gln72Lys]TALALAKGKF

ClinVar aggregate classification (germline): Uncertain significance (1 of 4 stars; one submission).

Submissions (2):

Labcorp Genetics (formerly Invitae), Labcorp
Classification: Uncertain significance. Last evaluated: 2024-09-12. Review status: criteria provided, single submitter. Criteria: Invitae Variant Classification Sherloc (09022015). Collection method: clinical testing. Allele origin: germline.
Comment: This sequence change replaces glutamine, which is neutral and polar, with lysine, which is basic and polar, at codon 72 of the HSD17B10 protein (p.Gln72Lys). This variant is not present in population databases (gnomAD no frequency). This variant has not been reported in the literature in individuals affected with HSD17B10-related conditions. Invitae Evidence Modeling of protein sequence and biophysical properties (such as structural, functional, and spatial information, amino acid conservation, physicochemical variation, residue mobility, and thermodynamic stability) indicates that this missense variant is not expected to disrupt HSD17B10 protein function with a negative predictive value of 80%. In summary, the available evidence is currently insufficient to determine the role of this variant in disease. Therefore, it has been classified as a Variant of Uncertain Significance.

Dr. Peter K. Rogan Lab, Western University
No classification provided (evidence only). Condition: Thyroid cancer, nonmedullary, 1. Review status: no classification provided. Collection method: in vitro. Allele origin: not applicable. Functional consequence: retained intron. Not counted in ClinVar's aggregate classification.